The following is an entry in ClinVar:

ClinVar aggregate classification (germline): Uncertain significance (1 of 4 stars; one submission).

Conditions:
Melanoma, cutaneous malignant, susceptibility to, 5. Also called: Cutaneous malignant melanoma 5. Identifiers: Orphanet 618, MedGen C2751295, MONDO:0013133, OMIM 613099.

Allele frequency attached by ClinVar (database versions not stated): ExAC 0.00001; gnomAD exomes 0.00002; gnomAD 0.00004 and 0.00005; TOPMed 0.00004; ESP Exome Variant Server 0.00008.
gnomAD v4.1: 44 of 1,613,416 alleles (0.0027%); highest among the groups gnomAD compares: Non-Finnish European, 0.0034%; no homozygotes.

Submission:

Labcorp Genetics (formerly Invitae), Labcorp
Classification: Uncertain significance for Melanoma, cutaneous malignant, susceptibility to, 5. Last evaluated: 2024-10-09. Review status: criteria provided, single submitter. Criteria: Invitae Variant Classification Sherloc (09022015). Collection method: clinical testing. Allele origin: germline.
Comment: This sequence change replaces cysteine, which is neutral and slightly polar, with serine, which is neutral and polar, at codon 315 of the MC1R protein (p.Cys315Ser). This variant is present in population databases (rs377248188, gnomAD 0.004%). This variant has not been reported in the literature in individuals affected with MC1R-related conditions. ClinVar contains an entry for this variant (Variation ID: 1367891). An algorithm developed to predict the effect of missense changes on protein structure and function (PolyPhen-2) suggests that this variant is likely to be tolerated. Experimental studies have shown that this missense change affects MC1R function (PMID: 28869973). In summary, the available evidence is currently insufficient to determine the role of this variant in disease. Therefore, it has been classified as a Variant of Uncertain Significance.

Literature cited by the submitters: PubMed 28869973.

NM_002386.4(MC1R):c.944G>C (p.Cys315Ser)

Gene: MC1R (melanocortin 1 receptor; plus strand). Cytogenetic location: 16q24.3.
Variant type: single nucleotide variant.
Coding change: c.944G>C on transcript NM_002386.4 (MANE Select); coding-DNA position 944, G replaced by C.
Protein change: p.Cys315Ser; replaces cysteine 315 with serine.
Molecular consequence: missense variant.
Genome position (GRCh38, 1-based): chr16:89,920,202, G>C. VCF-style: chr16-89920202-G-C. GRCh37 (hg19) VCF-style: chr16-89986610-G-C.
Other names: short protein forms C315S.
Identifiers: ClinVar variation 1367891 (VCV001367891.6), dbSNP rs377248188, ClinGen allele CA8255822.